The following is an entry in ClinVar:

ClinVar aggregate classification (germline): Pathogenic (1 of 4 stars; one submission).

Conditions:
Hereditary cancer-predisposing syndrome. Also called: Tumor predisposition; Neoplastic Syndromes, Hereditary; Hereditary neoplastic syndrome; Hereditary Cancer Syndrome. Identifiers: Orphanet 140162, MedGen C0027672, MeSH D009386, MONDO:0015356.

Submission:

Molecular Diagnostics Laboratory, Catalan Institute of Oncology
Classification: Pathogenic for Hereditary cancer-predisposing syndrome. Last evaluated: 2025-07-08. Review status: criteria provided, single submitter. Criteria: ClinGen BRCA1BRCA2 ACMG Specifications BRCA1 V1.0.0. Collection method: clinical testing. Allele origin: germline.
Comment: PVS1, PM5_PTC_Strong c.4841del, located in exon 15 (16 in BIC nomenclature) of the BRCA1 gene, consists of the delection of 1 nucleotide, causing a translational frameshift with a predicted alternate stop codon, p.(Pro1614Glnfs*19). This alteration is expected to result in loss of function by premature protein truncation and nonsense-mediated mRNA decay (PVS1, PM5_PTC_Strong). The SpliceAI algorithm predicts no significant impact on splicing. It is not present in the population database gnomAD v2.1.1, non-cancer dataset. This variant has been reported in the ClinVar database (1x Pathogenic) but has not been identified neither in LOVD nor BRCA Exchange databases. Based on currently available information, c.4841del is classified as a pathogenic variant according to ClinGen BRCA1 and BRCA2 Guidelines version 1.0.0.

NM_007294.4(BRCA1):c.4841del (p.Pro1614fs)

Gene: BRCA1 (BRCA1 DNA repair associated; minus strand). Cytogenetic location: 17q21.31.
Variant type: Deletion.
Coding change: c.4841del on transcript NM_007294.4 (MANE Select); coding-DNA position 4841, one base deleted (C; older notation c.4841delC).
Protein change: p.Pro1614fs; shifts the reading frame from proline 1614.
Molecular consequence: frameshift variant. On other transcripts: intron variant (1).
Genome position (GRCh38, 1-based): chr17:43,071,073, G deleted on the plus strand (C on the coding strand, the reverse complement: BRCA1 is on the minus strand); the first of 2 consecutive G bases (chr17:43,071,073-43,071,074); deleting either gives the same sequence. VCF-style (leftmost placement, unchanged base first): chr17-43071072-TG-T. GRCh37 (hg19) VCF-style: chr17-41223089-TG-T.
Other names: c.1319del, p.Pro440fs (NM_001408483.1, NM_001408484.1, NM_001408485.1 and 5 more transcripts); c.1316del, p.Pro439fs (NM_001408492.1, NM_001408493.1); c.1292del, p.Pro431fs (NM_001408494.1); c.1286del, p.Pro429fs (NM_001408495.1); c.1268del, p.Pro423fs (NM_001408496.1, NM_001408497.1, NM_001408500.1 and 3 more transcripts); c.4577del, p.Pro1526fs (NM_001407921.1, NM_001407922.1, NM_001407923.1 and 4 more transcripts); c.4574del, p.Pro1525fs (NM_001407927.1, NM_001407928.1, NM_001407929.1 and 4 more transcripts); c.4628del, p.Pro1543fs (NM_001407908.1, NM_001407909.1, NM_001407910.1 and 12 more transcripts); and 71 more; short protein forms P1317fs, P1318fs, P1445fs, P1460fs, P1485fs, P1486fs, P1487fs, P1501fs.
Identifiers: ClinVar variation 4082357 (VCV004082357.1).